The following is an entry in ClinVar:

ClinVar aggregate classification (germline): Uncertain significance (1 of 4 stars; one submission).

Conditions:
Familial adenomatous polyposis 1 (FAP1). Also called: FAMILIAL ADENOMATOUS POLYPOSIS 1, ATTENUATED; POLYPOSIS, ADENOMATOUS INTESTINAL. Identifiers: MedGen C2713442, MONDO:0021056, OMIM 175100. Disease mechanism: loss of function.

gnomAD v4.1: 1 of 1,370,302 alleles (0.000073%); highest among the groups gnomAD compares: Non-Finnish European, 0.000096%; no homozygotes.

Submission:

Labcorp Genetics (formerly Invitae), Labcorp
Classification: Uncertain significance for Familial adenomatous polyposis 1. Last evaluated: 2025-01-24. Review status: criteria provided, single submitter. Criteria: Invitae Variant Classification Sherloc (09022015). Collection method: clinical testing. Allele origin: germline.
Comment: This variant occurs in a non-coding region of the APC gene. It does not change the encoded amino acid sequence of the APC protein. This variant is not present in population databases (gnomAD no frequency). This variant has not been reported in the literature in individuals affected with APC-related conditions. Experimental studies and prediction algorithms are not available or were not evaluated, and the functional significance of this variant is currently unknown. In summary, the available evidence is currently insufficient to determine the role of this variant in disease. Therefore, it has been classified as a Variant of Uncertain Significance.

NM_001127511.3(APC):c.-39T>C

Gene: APC (APC regulator of Wnt signaling pathway; plus strand). Cytogenetic location: 5q22.2.
Variant type: single nucleotide variant.
Coding change: c.-39T>C on transcript NM_001127511.3; 39 bases upstream of the start codon, T replaced by C.
Molecular consequence: 5 prime UTR variant. On other transcripts: non-coding transcript variant (1), intron variant (5).
Genome position (GRCh38, 1-based): chr5:112,707,679, T>C. VCF-style: chr5-112707679-T-C. GRCh37 (hg19) VCF-style: chr5-112043376-T-C.
Other names: c.-222T>C (NM_001354895.2, NM_001407447.1, NM_001407452.1 and 3 more transcripts); c.-39T>C (NM_001354897.2, NM_001354902.2, NM_001407446.1); c.-1257T>C (NM_001407470.1, NM_001407472.1); c.-19+30T>C (NM_001407448.1, NM_001407450.1, NM_001407457.1 and 1 more transcripts); c.-43+30T>C (NM_001407453.1).
Identifiers: ClinVar variation 1044943 (VCV001044943.9), dbSNP rs1466692709, ClinGen allele CA1573442620.